The following is an entry in ClinVar:

ClinVar aggregate classification (germline): Benign (1 of 4 stars; one submission).

Conditions:
Autosomal dominant limb-girdle muscular dystrophy type 1D (DNAJB6) (LGMDD1). Also called: MUSCULAR DYSTROPHY, LIMB-GIRDLE, TYPE 1D; MUSCULAR DYSTROPHY, AUTOSOMAL DOMINANT, WITH RIMMED VACUOLES; Autosomal dominant limb-girdle muscular dystrophy type 1D; Muscular dystrophy, limb-girdle, autosomal dominant 1. Identifiers: Orphanet 34516, MedGen C4721885, MONDO:0021018, OMIM 603511.

Allele frequency attached by ClinVar (database versions not stated): 1000 Genomes Project 30x 0.00484; 1000 Genomes Project 0.00499; gnomAD 0.00558 and 0.00602; TOPMed 0.00601.

Submission:

Illumina Laboratory Services, Illumina
Classification: Benign for Autosomal dominant limb-girdle muscular dystrophy type 1D (DNAJB6). Last evaluated: 2018-01-13. Review status: criteria provided, single submitter. Criteria: ICSL Variant Classification Criteria 13 December 2019. Collection method: clinical testing. Allele origin: germline.
Comment: This variant was observed in the ICSL laboratory as part of a predisposition screen in an ostensibly healthy population. It had not been previously curated by ICSL or reported in the Human Gene Mutation Database (HGMD: prior to June 1st, 2018), and was therefore a candidate for classification through an automated scoring system. Utilizing variant allele frequency, disease prevalence and penetrance estimates, and inheritance mode, an automated score was calculated to assess if this variant is too frequent to cause the disease. Based on the score and internal cut-off values, a variant classified as benign is not then subjected to further curation. The score for this variant resulted in a classification of benign for this disease.

NM_058246.4(DNAJB6):c.*604C>G

Gene: DNAJB6 (DnaJ heat shock protein family (Hsp40) member B6; plus strand). Cytogenetic location: 7q36.3.
Variant type: single nucleotide variant.
Coding change: c.*604C>G on transcript NM_058246.4 (MANE Select); 604 bases downstream of the stop codon, C replaced by G.
Molecular consequence: 3 prime UTR variant.
Genome position (GRCh38, 1-based): chr7:157,416,702, C>G. VCF-style: chr7-157416702-C-G. GRCh37 (hg19) VCF-style: chr7-157209396-C-G.
Other names: c.*604C>G (NM_001363676.1).
Identifiers: ClinVar variation 359468 (VCV000359468.6), dbSNP rs78938721, ClinGen allele CA10625613.
Genomic context (GRCh38, chr7:157,416,702, plus strand): 5'-TGTAAAATCATTCCTTCTGTTTACTCTTTTAATTTTCATCCTTTGCAGGTAGTGCAAATT[C>G]AACTTCAAATATGGTGTAGGTTTTGCTAGATTCCATATTTTTTTCTTGGATTTTTGCTAA-3'